The following is an entry in ClinVar:

NM_173689.7(CRB2):c.3187_3188del (p.Ser1063fs)

Gene: CRB2 (crumbs cell polarity complex component 2; plus strand). Cytogenetic location: 9q33.3.
Variant type: Deletion.
Coding change: c.3187_3188del on transcript NM_173689.7 (MANE Select); coding-DNA positions 3187 to 3188, 2 bases deleted (TC; older notation c.3187_3188delTC).
Protein change: p.Ser1063fs; shifts the reading frame from serine 1063.
Molecular consequence: frameshift variant. On other transcripts: non-coding transcript variant (1).
Genome position (GRCh38, 1-based): chr9:123,373,718-123,373,719, TC deleted; deleting any 2 consecutive bases within chr9:123,373,717-123,373,719 gives the same sequence; the c. name uses the placement nearest the transcript's 3' end. VCF-style (leftmost placement, unchanged base first): chr9-123373716-CCT-C. GRCh37 (hg19) VCF-style: chr9-126135995-CCT-C.
Other names: short protein forms S1063fs.
Identifiers: ClinVar variation 4886533 (VCV004886533.2).
Genomic context (GRCh38, chr9:123,373,716, plus strand): 5'-CGTCTTGGCCTGGGACGCCGGCCCCGATCCTCGGCTGCCGCGGCGCGCCCGTGTGTGCGC[CCT>C]CGCCCTGTCTGCACGACGGTGCCTGCCGTGACCTCTTCGACGCCTTTGCCTGCGCCTGCG-3'

ClinVar aggregate classification (germline): Likely pathogenic (1 of 4 stars; one submission).

Submission:

Dasa
Classification: Likely pathogenic. Last evaluated: 2025-01-04. Review status: criteria provided, single submitter. Criteria: DASA Assertion Criteria. Collection method: clinical testing. Allele origin: germline.
Comment: NM_173689.7(CRB2):c.3187_3188del (p.Ser1063Alafs*10) is a frameshift variant in CRB2 predicted to alter the reading frame and introduce a premature termination codon and is predicted to result in an absent or altered protein product. Loss of function is an established disease mechanism for CRB2-associated disorders. Also, this variant is rare in population databases. Based on the currently available evidence, this variant is classified as likely pathogenic.